The following is an entry in ClinVar:

ClinVar aggregate classification (germline): Likely pathogenic (1 of 4 stars; one submission).

Conditions:
Propionic acidemia (PROP). Also called: GLYCINEMIA, KETOTIC; HYPERGLYCINEMIA WITH KETOACIDOSIS AND LEUKOPENIA; KETOTIC HYPERGLYCINEMIA. Identifiers: Orphanet 35, MedGen C0268579, MONDO:0011628, OMIM 606054, HP:0003571.

Submission:

Labcorp Genetics (formerly Invitae), Labcorp
Classification: Likely pathogenic for Propionic acidemia. Last evaluated: 2023-06-16. Review status: criteria provided, single submitter. Criteria: Invitae Variant Classification Sherloc (09022015). Collection method: clinical testing. Allele origin: unknown.
Comment: In summary, the currently available evidence indicates that the variant is pathogenic, but additional data are needed to prove that conclusively. Therefore, this variant has been classified as Likely Pathogenic. A similar copy number variant has been observed in individual(s) with clinical features of propionic acidemia (PMID: 28853722, 31462756). This variant results in a copy number gain of the genomic region encompassing exon(s) 21 of the PCCA gene. While the exact position of this variant cannot be determined from the data, sub-genic copy number gains are generally in tandem (PMID: 25640679). This variant is predicted to be in-frame, and likely preserves the integrity of the reading frame.

Literature cited by the submitters: PubMed 28853722; PubMed 31462756; PubMed 25640679.

NC_000013.10:g.(?_101101486)_(101101579_?)dup

Gene: PCCA (propionyl-CoA carboxylase subunit alpha; plus strand). Cytogenetic location: 13q32.3.
Variant type: Duplication.
Identifiers: ClinVar variation 3244155 (VCV003244155.1).